The following is an entry in ClinVar:

ClinVar aggregate classification (germline): Uncertain significance (1 of 4 stars; one submission).

Conditions:
Catecholaminergic polymorphic ventricular tachycardia (CVPT). Also called: Catecholamine-induced polymorphic ventricular tachycardia. Identifiers: Orphanet 3286, MedGen C5574922, MONDO:0017990.

Submission:

All of Us Research Program, National Institutes of Health
Classification: Uncertain significance for Catecholaminergic polymorphic ventricular tachycardia. Last evaluated: 2023-06-26. Review status: criteria provided, single submitter. Criteria: ACMG Guidelines, 2015. Collection method: clinical testing. Allele origin: germline. Inheritance: Autosomal dominant inheritance. Observed: 1 variant allele, 1 heterozygote.
Comment: This variant causes an A to G nucleotide substitution at the +6 position of intron 16 of the RYR2 gene. To our knowledge, functional studies have not been reported for this variant. This variant has not been reported in individuals affected with RYR2-related disorders in the literature. This variant has not been identified in the general population by the Genome Aggregation Database (gnomAD). The available evidence is insufficient to determine the role of this variant in disease conclusively. Therefore, this variant is classified as a Variant of Uncertain Significance.

This study involves interpretation of variants in research participants for the purpose of population health screening. Participant phenotype was not available at the time of variant classification. Additional details can be found in publication PMID: 35346344, PMCID: PMC8962531

NM_001035.3(RYR2):c.1612+6A>G

Gene: RYR2 (ryanodine receptor 2; plus strand). Cytogenetic location: 1q43.
Variant type: single nucleotide variant.
Coding change: c.1612+6A>G on transcript NM_001035.3 (MANE Select); 6 bases into the intron after coding-DNA position 1612, A replaced by G.
Molecular consequence: intron variant.
Genome position (GRCh38, 1-based): chr1:237,456,741, A>G. VCF-style: chr1-237456741-A-G. GRCh37 (hg19) VCF-style: chr1-237620041-A-G.
Identifiers: ClinVar variation 3072002 (VCV003072002.1), dbSNP rs1051657528, ClinGen allele CA2651198678.